The following is an entry in ClinVar:

NM_000539.3(RHO):c.509C>G (p.Pro170Arg)

Gene: RHO (rhodopsin; plus strand). Cytogenetic location: 3q22.1.
Variant type: single nucleotide variant.
Coding change: c.509C>G on transcript NM_000539.3 (MANE Select); coding-DNA position 509, C replaced by G.
Protein change: p.Pro170Arg; replaces proline 170 with arginine.
Molecular consequence: missense variant.
Genome position (GRCh38, 1-based): chr3:129,531,023, C>G. VCF-style: chr3-129531023-C-G. GRCh37 (hg19) VCF-style: chr3-129249866-C-G.
Other names: short protein forms P170R.
Identifiers: ClinVar variation 437997 (VCV000437997.11), dbSNP rs1553781176, ClinGen allele CA354498718.

ClinVar aggregate classification (germline): Pathogenic/Likely pathogenic. Review status: criteria provided, multiple submitters, no conflicts (2 of 4 stars). 6 submissions from 6 submitters: Pathogenic (3); Likely pathogenic (2). 1 of the submissions does not count toward it. Last evaluated 2025-12-28.

Conditions:
RHO-related disorder. Also called: RHO-related condition.
Retinitis pigmentosa (RP). Identifiers: Orphanet 791, MedGen C0035334, MeSH D012174, MONDO:0019200, OMIM 268000. Inheritance: Autosomal dominant, autosomal recessive and X linked inheritance.
Retinitis pigmentosa 4 (RP4). Also called: RETINITIS PIGMENTOSA, RHODOPSIN-RELATED. Identifiers: Orphanet 791, MedGen C3151001, MONDO:0013395, OMIM 613731.

Allele frequency attached by ClinVar (database versions not stated): gnomAD exomes below 0.00001.
gnomAD v4.1: 1 of 1,614,056 alleles (0.000062%); highest among the groups gnomAD compares: Non-Finnish European, 0.000085%; no homozygotes.

Submissions (6):

Labcorp Genetics (formerly Invitae), Labcorp
Classification: Pathogenic. Last evaluated: 2025-12-28. Review status: criteria provided, single submitter. Criteria: Invitae Variant Classification Sherloc (09022015). Collection method: clinical testing. Allele origin: germline.
Comment: This sequence change replaces proline, which is neutral and non-polar, with arginine, which is basic and polar, at codon 170 of the RHO protein (p.Pro170Arg). This variant is not present in population databases (gnomAD no frequency). This missense change has been observed in individuals with autosomal dominant retinitis pigmentosa (PMID: 11139241, 29847639, 32581362). It has also been observed to segregate with disease in related individuals. ClinVar contains an entry for this variant (Variation ID: 437997). Invitae Evidence Modeling of protein sequence and biophysical properties (such as structural, functional, and spatial information, amino acid conservation, physicochemical variation, residue mobility, and thermodynamic stability) indicates that this missense variant is expected to disrupt RHO protein function with a positive predictive value of 95%. Experimental studies have shown that this missense change affects RHO function (PMID: 30977563). For these reasons, this variant has been classified as Pathogenic.

Blueprint Genetics
Classification: Pathogenic for RHO-related disorders. Last evaluated: 2021-11-29. Review status: criteria provided, single submitter. Criteria: ACMG Guidelines, 2015. Collection method: clinical testing. Allele origin: germline. Affected: yes. Observed: 5 variant alleles.

Ocular Genomics Institute, Massachusetts Eye and Ear
Classification: Likely pathogenic for Retinitis pigmentosa 4. Last evaluated: 2021-04-08. Review status: criteria provided, single submitter. Criteria: ACMG Guidelines, 2015. Collection method: research. Allele origin: germline. Affected: yes.
Comment: Through a review of available evidence we were able to apply the following criteria: PM2, PS3, PP1. Based on this evidence we have classified this variant as Likely Pathogenic.

Centre for Genomic Medicine, Manchester, Central Manchester University Hospitals
Classification: Likely pathogenic for Retinitis pigmentosa 4. Last evaluated: 2020-09-01. Review status: criteria provided, single submitter. Criteria: ACMG Guidelines, 2015. Collection method: clinical testing. Allele origin: germline. Affected: yes. Observed: 2 heterozygotes.

Mendelics
Classification: Pathogenic for Retinitis pigmentosa 4. Last evaluated: 2019-05-28. Review status: criteria provided, single submitter. Criteria: Mendelics Assertion Criteria 2017. Collection method: clinical testing. Allele origin: unknown.

NIHR Bioresource Rare Diseases, University of Cambridge
Classification: Likely pathogenic for Retinitis pigmentosa. Last evaluated: 2015-01-01. Review status: no assertion criteria provided. Collection method: research. Allele origin: unknown. Affected: yes. Observed: 1 variant allele. Not counted in ClinVar's aggregate classification.

Literature cited by the submitters: PubMed 11139241 (cited by 3 submitters); PubMed 29847639 (cited by Labcorp Genetics (formerly Invitae), Labcorp and Ocular Genomics Institute, Massachusetts Eye and Ear); PubMed 32581362 (cited by Labcorp Genetics (formerly Invitae), Labcorp); PubMed 30977563 (cited by Labcorp Genetics (formerly Invitae), Labcorp and Ocular Genomics Institute, Massachusetts Eye and Ear); PubMed 21094163 (cited by Ocular Genomics Institute, Massachusetts Eye and Ear); PubMed 28041643 (cited by NIHR Bioresource Rare Diseases, University of Cambridge).